The following is an entry in ClinVar:

ClinVar aggregate classification (germline): Pathogenic (1 of 4 stars; one submission).

Conditions:
Hereditary spastic paraplegia 11. Also called: Spastic Paraplegia 11; Spastic paraplegia, mental retardation and thin corpus callosum; SPASTIC PARAPLEGIA, AUTOSOMAL RECESSIVE, COMPLICATED, WITH THIN CORPUS CALLOSUM; SPASTIC PARAPLEGIA, AUTOSOMAL RECESSIVE, WITH MENTAL IMPAIRMENT AND THIN CORPUS CALLOSUM; Nakamura Osame syndrome; Autosomal recessive hereditary spastic paraplegia, mental impairment, and thin corpus callosum. Identifiers: Orphanet 2822, MedGen C1858479, MONDO:0011445, OMIM 604360.

Submission:

Labcorp Genetics (formerly Invitae), Labcorp
Classification: Pathogenic for Hereditary spastic paraplegia 11. Last evaluated: 2023-07-10. Review status: criteria provided, single submitter. Criteria: Invitae Variant Classification Sherloc (09022015). Collection method: clinical testing. Allele origin: germline.
Comment: For these reasons, this variant has been classified as Pathogenic. Algorithms developed to predict the effect of sequence changes on RNA splicing suggest that this variant may disrupt the consensus splice site. This variant has not been reported in the literature in individuals affected with SPG11-related conditions. This variant is not present in population databases (gnomAD no frequency). This sequence change creates a premature translational stop signal (p.Glu243Lysfs*20) in the SPG11 gene. It is expected to result in an absent or disrupted protein product. Loss-of-function variants in SPG11 are known to be pathogenic (PMID: 19105190, 20110243, 22154821, 26556829).

Literature cited by the submitters: PubMed 19105190; PubMed 20110243; PubMed 22154821; PubMed 26556829.

NM_025137.4(SPG11):c.727del (p.Glu243fs)

Gene: SPG11 (SPG11 vesicle trafficking associated, spatacsin; minus strand). Cytogenetic location: 15q21.1.
Variant type: Deletion.
Coding change: c.727del on transcript NM_025137.4 (MANE Select); coding-DNA position 727, one base deleted (G; older notation c.727delG).
Protein change: p.Glu243fs; shifts the reading frame from glutamic acid 243.
Molecular consequence: frameshift variant.
Genome position (GRCh38, 1-based): chr15:44,657,237, C deleted on the plus strand (G on the coding strand, the reverse complement: SPG11 is on the minus strand). VCF-style (leftmost placement, unchanged base first): chr15-44657236-TC-T. GRCh37 (hg19) VCF-style: chr15-44949434-TC-T.
Other names: c.727del, p.Glu243fs (NM_001160227.2, NM_001411132.1); short protein forms E243fs.
Identifiers: ClinVar variation 2740623 (VCV002740623.3), dbSNP rs2505759290, ClinGen allele CA2697554445.